The following is an entry in ClinVar:

ClinVar aggregate classification (germline): Likely pathogenic (0 of 4 stars; one submission).

Conditions:
SPEN-related disorder. Also called: SPEN-related condition.

Submission:

PreventionGenetics, part of Exact Sciences
Classification: Likely pathogenic for SPEN-related condition. Last evaluated: 2024-01-31. Review status: no assertion criteria provided. Collection method: clinical testing. Allele origin: germline.
Comment: The SPEN c.2714dupA variant is predicted to result in a frameshift and premature protein termination (p.Asn905Lysfs*2). To our knowledge, this variant has not been reported in the literature or in a large population database, indicating this variant is rare. Frameshift variants in SPEN are expected to be pathogenic. This variant is interpreted as likely pathogenic.

NM_015001.3(SPEN):c.2714dup (p.Asn905fs)

Gene: SPEN (spen family transcriptional repressor; plus strand). Cytogenetic location: 1p36.13.
Variant type: Duplication.
Coding change: c.2714dup on transcript NM_015001.3 (MANE Select); coding-DNA position 2714, one base duplicated (A; older notation c.2714dupA).
Protein change: p.Asn905fs; shifts the reading frame from asparagine 905.
Molecular consequence: frameshift variant.
Genome position (GRCh38, 1-based): chr1:15,928,954, A duplicated; the last of 2 consecutive A bases (chr1:15,928,953-15,928,954); duplicating either gives the same sequence. VCF-style (leftmost placement, unchanged base first): chr1-15928952-T-TA. GRCh37 (hg19) VCF-style: chr1-16255447-T-TA.
Other names: short protein forms N905fs.
Identifiers: ClinVar variation 3043482 (VCV003043482.2), dbSNP rs2523075382, ClinGen allele CA2740090595.